The following is an entry in ClinVar:

ClinVar aggregate classification (germline): Conflicting classifications of pathogenicity. Review status: criteria provided, conflicting classifications (1 of 4 stars). 3 submissions from 3 submitters: Uncertain significance (2); Likely benign (1). Last evaluated 2025-11-24.

Conditions:
Hereditary breast ovarian cancer syndrome. Also called: Hereditary breast and ovarian cancer; Hereditary breast and/or ovarian cancer syndrome; Hereditary breast and ovarian cancer syndrome; Hereditary breast and ovarian cancer syndrome (HBOC); Breast and ovarian cancer; BRCA1- and BRCA2-Associated Hereditary Breast and Ovarian Cancer. Identifiers: Orphanet 145, MedGen C0677776, MeSH D061325, MONDO:0003582. Disease mechanism: loss of function.
Hereditary cancer-predisposing syndrome. Also called: Hereditary neoplastic syndrome; Tumor predisposition; Neoplastic Syndromes, Hereditary; Hereditary Cancer Syndrome. Identifiers: Orphanet 140162, MedGen C0027672, MeSH D009386, MONDO:0015356.

Submissions (3):

Ambry Genetics
Classification: Uncertain significance for Hereditary cancer-predisposing syndrome. Last evaluated: 2025-11-24. Review status: criteria provided, single submitter. Criteria: Ambry Variant Classification Scheme 2023. Collection method: clinical testing. Allele origin: germline.
Comment: The p.T1412P variant (also known as c.4234A>C), located in coding exon 10 of the BRCA2 gene, results from an A to C substitution at nucleotide position 4234. The threonine at codon 1412 is replaced by proline, an amino acid with highly similar properties. This amino acid position is conserved. In addition, this alteration is predicted to be tolerated by in silico analysis. Based on the available evidence, the clinical significance of this variant remains unclear.

University of Washington Department of Laboratory Medicine, University of Washington
Classification: Likely benign for Hereditary cancer-predisposing syndrome. Last evaluated: 2023-03-23. Review status: criteria provided, single submitter. Criteria: Dines et al. (Genet Med. 2020). Collection method: curation. Allele origin: germline.
Comment: Missense variant in a coldspot region where missense variants are very unlikely to be pathogenic (PMID:31911673).

BRCA2 exon 11 coldspot. Reclassification based on statistical prior probability.

Labcorp Genetics (formerly Invitae), Labcorp
Classification: Uncertain significance for Hereditary breast ovarian cancer syndrome. Last evaluated: 2019-10-28. Review status: criteria provided, single submitter. Criteria: Invitae Variant Classification Sherloc (09022015). Collection method: clinical testing. Allele origin: germline.
Comment: This sequence change replaces threonine with proline at codon 1412 of the BRCA2 protein (p.Thr1412Pro). The threonine residue is weakly conserved and there is a small physicochemical difference between threonine and proline. In summary, the available evidence is currently insufficient to determine the role of this variant in disease. Therefore, it has been classified as a Variant of Uncertain Significance. Algorithms developed to predict the effect of missense changes on protein structure and function (SIFT, PolyPhen-2, Align-GVGD) all suggest that this variant is likely to be tolerated, but these predictions have not been confirmed by published functional studies and their clinical significance is uncertain. This variant has not been reported in the literature in individuals with BRCA2-related conditions. This variant is not present in population databases (ExAC no frequency).

NM_000059.4(BRCA2):c.4234A>C (p.Thr1412Pro)

Gene: BRCA2 (BRCA2 DNA repair associated; plus strand). Cytogenetic location: 13q13.1.
Variant type: single nucleotide variant.
Coding change: c.4234A>C on transcript NM_000059.4 (MANE Select); coding-DNA position 4234, A replaced by C.
Protein change: p.Thr1412Pro; replaces threonine 1412 with proline.
Molecular consequence: missense variant.
Genome position (GRCh38, 1-based): chr13:32,338,589, A>C. VCF-style: chr13-32338589-A-C. GRCh37 (hg19) VCF-style: chr13-32912726-A-C.
Other names: short protein forms T1412P.
Identifiers: ClinVar variation 955133 (VCV000955133.12), dbSNP rs2072499447, ClinGen allele CA387780361.